The following is an entry in ClinVar:

ClinVar aggregate classification (germline): Uncertain significance (1 of 4 stars; one submission).

Conditions:
Tay-Sachs disease (TSD). Also called: HEXA DEFICIENCY; HEXA Disorders; GM2 gangliosidosis, type 1; Hexosaminidase alpha-subunit deficiency (variant B); Sphingolipidosis, Tay-Sachs; Hexosaminidase A Deficiency. Identifiers: Orphanet 845, MedGen C0039373, MONDO:0010100, OMIM 272800.

Allele frequency attached by ClinVar (database versions not stated): gnomAD exomes below 0.00001; ExAC 0.00001; gnomAD 0.00001; 1000 Genomes Project 30x 0.00016; 1000 Genomes Project 0.00020.
gnomAD v4.1: 4 of 1,613,870 alleles (0.00025%); highest among the groups gnomAD compares: African/African-American, 0.004%; no homozygotes.

Submission:

Labcorp Genetics (formerly Invitae), Labcorp
Classification: Uncertain significance for Tay-Sachs disease. Last evaluated: 2021-04-10. Review status: criteria provided, single submitter. Criteria: Invitae Variant Classification Sherloc (09022015). Collection method: clinical testing. Allele origin: germline.
Comment: This sequence change replaces glycine with arginine at codon 321 of the HEXA protein (p.Gly321Arg). The glycine residue is highly conserved and there is a moderate physicochemical difference between glycine and arginine. In summary, the available evidence is currently insufficient to determine the role of this variant in disease. Therefore, it has been classified as a Variant of Uncertain Significance. Algorithms developed to predict the effect of sequence changes on RNA splicing suggest that this variant may create or strengthen a splice site, but this prediction has not been confirmed by published transcriptional studies. Algorithms developed to predict the effect of missense changes on protein structure and function are either unavailable or do not agree on the potential impact of this missense change (SIFT: "Deleterious"; PolyPhen-2: "Probably Damaging"; Align-GVGD: "Class C15"). This variant has not been reported in the literature in individuals with HEXA-related conditions. This variant is present in population databases (rs556877212, ExAC 0.01%).

NM_000520.6(HEXA):c.961G>A (p.Gly321Arg)

Gene: HEXA (hexosaminidase subunit alpha; minus strand). Cytogenetic location: 15q23.
Variant type: single nucleotide variant.
Coding change: c.961G>A on transcript NM_000520.6 (MANE Select); coding-DNA position 961, G replaced by A.
Protein change: p.Gly321Arg; replaces glycine 321 with arginine.
Molecular consequence: missense variant. On other transcripts: non-coding transcript variant (1).
Genome position (GRCh38, 1-based): chr15:72,349,104, C>T on the plus strand (G>A on the coding strand, the complement: HEXA is on the minus strand). VCF-style: chr15-72349104-C-T. GRCh37 (hg19) VCF-style: chr15-72641445-C-T.
Other names: c.994G>A, p.Gly332Arg (NM_001318825.2); short protein forms G332R, G321R.
Identifiers: ClinVar variation 1514948 (VCV001514948.8), dbSNP rs556877212, ClinGen allele CA7644860.
Genomic context (GRCh38, chr15:72,349,104, plus strand): 5'-ATCAGGCCACAGTGGGAAGATCAAAGGGCTCATACCAGCAGGTGAAATCAACCTCATCTC[C>T]TCCAAGATGAAGATAAAAATCTGGGAAGACAGAGCTGACTTCTAAGAAGAATGTGCTCAT-3'
Protein context (NP_000511.2, residues 311-331): VFPDFYLHLG[Gly321Arg]DEVDFTCWKS